The following is an entry in ClinVar:

NM_144596.4(TTC8):c.1039C>T (p.Arg347Trp)

Gene: TTC8 (tetratricopeptide repeat domain 8; plus strand). Cytogenetic location: 14q31.3.
Variant type: single nucleotide variant.
Coding change: c.1039C>T on transcript NM_144596.4 (MANE Select); coding-DNA position 1039, C replaced by T.
Protein change: p.Arg347Trp; replaces arginine 347 with tryptophan.
Molecular consequence: missense variant. On other transcripts: non-coding transcript variant (1).
Genome position (GRCh38, 1-based): chr14:88,870,188, C>T. VCF-style: chr14-88870188-C-T. GRCh37 (hg19) VCF-style: chr14-89336532-C-T.
Other names: c.1087C>T, p.Arg363Trp (NM_001288781.1); c.445C>T, p.Arg149Trp (NM_001288782.1); c.322C>T, p.Arg108Trp (NM_001288783.1); c.1009C>T, p.Arg337Trp (NM_001366535.2, NM_198309.3); c.919C>T, p.Arg307Trp (NM_001366536.2, NM_198310.3); short protein forms R108W, R149W, R307W, R337W, R347W, R363W.
Identifiers: ClinVar variation 2634121 (VCV002634121.4), dbSNP rs769434297, ClinGen allele CA7302653.

ClinVar aggregate classification (germline): Uncertain significance. Review status: criteria provided, multiple submitters, no conflicts (2 of 4 stars). 2 submissions from 2 submitters: Uncertain significance (2). Last evaluated 2023-10-17.

Conditions:
TTC8-related disorder. Also called: TTC8-related condition.
Bardet-Biedl syndrome (BBS). Identifiers: Orphanet 110, MedGen C0752166, MONDO:0015229.

Allele frequency attached by ClinVar (database versions not stated): gnomAD exomes below 0.00001; TOPMed below 0.00001; ExAC 0.00001; gnomAD 0.00001.
gnomAD v4.1: 6 of 1,613,904 alleles (0.00037%); highest among the groups gnomAD compares: Admixed American, 0.0017%; no homozygotes.

Submissions (2):

Labcorp Genetics (formerly Invitae), Labcorp
Classification: Uncertain significance for Bardet-Biedl syndrome. Last evaluated: 2023-10-17. Review status: criteria provided, single submitter. Criteria: Invitae Variant Classification Sherloc (09022015). Collection method: clinical testing. Allele origin: germline.
Comment: This sequence change replaces arginine, which is basic and polar, with tryptophan, which is neutral and slightly polar, at codon 337 of the TTC8 protein (p.Arg337Trp). This variant is present in population databases (rs769434297, gnomAD 0.0009%). This variant has not been reported in the literature in individuals affected with TTC8-related conditions. Advanced modeling of protein sequence and biophysical properties (such as structural, functional, and spatial information, amino acid conservation, physicochemical variation, residue mobility, and thermodynamic stability) has been performed at Invitae for this missense variant, however the output from this modeling did not meet the statistical confidence thresholds required to predict the impact of this variant on TTC8 protein function. Algorithms developed to predict the effect of sequence changes on RNA splicing suggest that this variant may disrupt the consensus splice site. In summary, the available evidence is currently insufficient to determine the role of this variant in disease. Therefore, it has been classified as a Variant of Uncertain Significance.

PreventionGenetics, part of Exact Sciences
Classification: Uncertain significance for TTC8-related condition. Last evaluated: 2023-08-31. Review status: criteria provided, single submitter. Criteria: ACMG Guidelines, 2015. Collection method: clinical testing. Allele origin: germline.
Comment: The TTC8 c.1039C>T variant is predicted to result in the amino acid substitution p.Arg347Trp. To our knowledge, this variant has not been reported in the literature. This variant is reported in 0.00088% of alleles in individuals of European (Non-Finnish) descent in gnomAD. At this time, the clinical significance of this variant is uncertain due to the absence of conclusive functional and genetic evidence.